The following is an entry in ClinVar:

ClinVar aggregate classification (germline): Benign (1 of 4 stars; one submission).

Allele frequency attached by ClinVar (database versions not stated): 1000 Genomes Project 0.00040; 1000 Genomes Project 30x 0.00062; ESP Exome Variant Server 0.00119; TOPMed 0.00147; gnomAD exomes 0.00262 and 0.00305; gnomAD 0.00395 and 0.00416; ExAC 0.00995.
gnomAD v4.1: 4,280 of 1,561,552 alleles (0.27%); highest among the groups gnomAD compares: Non-Finnish European, 0.26%; 55 homozygotes.

Submission:

CeGaT Center for Human Genetics Tuebingen
Classification: Benign. Last evaluated: 2026-09-01. Review status: criteria provided, single submitter. Criteria: CeGaT Center For Human Genetics Tuebingen Variant Classification Criteria Version 2. Collection method: clinical testing. Allele origin: germline. Affected: yes. Observed: 49 variant alleles.
Comment: BICRA: BP4, BP7, BS1, BS2

NM_001394372.1(BICRA):c.1080G>A (p.Pro360=)

Gene: BICRA (BRD4 interacting chromatin remodeling complex associated protein; plus strand). Cytogenetic location: 19q13.33.
Variant type: single nucleotide variant.
Coding change: c.1080G>A on transcript NM_001394372.1 (MANE Select); coding-DNA position 1080, G replaced by A.
Protein change: p.Pro360=; no amino-acid change (proline 360 retained).
Molecular consequence: synonymous variant.
Genome position (GRCh38, 1-based): chr19:47,680,250, G>A. VCF-style: chr19-47680250-G-A. GRCh37 (hg19) VCF-style: chr19-48183507-G-A.
Other names: c.1080G>A, p.Pro360= (NM_015711.3).
Identifiers: ClinVar variation 1694930 (VCV001694930.31), dbSNP rs373727053, ClinGen allele CA9541659.